The following is an entry in ClinVar:

ClinVar aggregate classification (germline): Uncertain significance (1 of 4 stars; one submission).

Conditions:
Hereditary cancer-predisposing syndrome. Also called: Tumor predisposition; Hereditary Cancer Syndrome; Hereditary neoplastic syndrome; Neoplastic Syndromes, Hereditary. Identifiers: Orphanet 140162, MedGen C0027672, MeSH D009386, MONDO:0015356.

gnomAD v4.1: 1 of 1,611,906 alleles (0.000062%); highest among the groups gnomAD compares: South Asian, 0.0011%; no homozygotes.

Submission:

Ambry Genetics
Classification: Uncertain significance for Hereditary cancer-predisposing syndrome. Last evaluated: 2024-05-29. Review status: criteria provided, single submitter. Criteria: Ambry Variant Classification Scheme 2023. Collection method: clinical testing. Allele origin: germline.
Comment: The p.Q541L variant (also known as c.1622A>T), located in coding exon 12 of the APC gene, results from an A to T substitution at nucleotide position 1622. The glutamine at codon 541 is replaced by leucine, an amino acid with dissimilar properties. This amino acid position is conserved. In addition, in silico predictors for this gene do not accurately predict pathogenicity. Based on the available evidence, the clinical significance of this variant remains unclear.

NM_000038.6(APC):c.1622A>T (p.Gln541Leu)

Gene: APC (APC regulator of Wnt signaling pathway; plus strand). Cytogenetic location: 5q22.2.
Variant type: single nucleotide variant.
Coding change: c.1622A>T on transcript NM_000038.6 (MANE Select); coding-DNA position 1622, A replaced by T.
Protein change: p.Gln541Leu; replaces glutamine 541 with leucine.
Molecular consequence: missense variant.
Genome position (GRCh38, 1-based): chr5:112,828,002, A>T. VCF-style: chr5-112828002-A-T. GRCh37 (hg19) VCF-style: chr5-112163699-A-T.
Other names: c.1622A>T, p.Gln541Leu (NM_001127510.3, NM_001354895.2, NM_001407450.1); c.1568A>T, p.Gln523Leu (NM_001127511.3); c.1676A>T, p.Gln559Leu (NM_001354896.2, NM_001407447.1, NM_001407448.1 and 1 more transcripts); c.1652A>T, p.Gln551Leu (NM_001354897.2); c.1547A>T, p.Gln516Leu (NM_001354898.2); c.1538A>T, p.Gln513Leu (NM_001354899.2); c.1499A>T, p.Gln500Leu (NM_001354900.2); c.1445A>T, p.Gln482Leu (NM_001354901.2, NM_001407453.1); and 11 more; short protein forms Q157L, Q450L, Q534L, Q258L, Q381L, Q412L, Q415L, Q440L.
Identifiers: ClinVar variation 3305496 (VCV003305496.1).
Genomic context (GRCh38, chr5:112,828,002, plus strand): 5'-CTATGAAAGGCTGCATGAGAGCACTTGTGGCCCAACTAAAATCTGAAAGTGAAGACTTAC[A>T]GCAGGTACTATTTAGAATTTCACCTGTTTTTCTTTTTTCTCTTTTTCTTTGAGGCAGGGT-3'
Protein context (NP_000029.2, residues 531-551): AQLKSESEDL[Gln541Leu]QVIASVLRNL